The following is an entry in ClinVar:

NM_000064.4(C3):c.860C>A (p.Ser287Tyr)

Gene: C3 (complement C3; minus strand). Cytogenetic location: 19p13.3.
Variant type: single nucleotide variant.
Coding change: c.860C>A on transcript NM_000064.4 (MANE Select); coding-DNA position 860, C replaced by A.
Protein change: p.Ser287Tyr; replaces serine 287 with tyrosine.
Molecular consequence: missense variant.
Genome position (GRCh38, 1-based): chr19:6,713,423, G>T on the plus strand (C>A on the coding strand, the complement: C3 is on the minus strand). VCF-style: chr19-6713423-G-T. GRCh37 (hg19) VCF-style: chr19-6713434-G-T.
Other names: short protein forms S287Y.
Identifiers: ClinVar variation 4743114 (VCV004743114.1).

ClinVar aggregate classification (germline): Uncertain significance (1 of 4 stars; one submission).

Submission:

Labcorp Genetics (formerly Invitae), Labcorp
Classification: Uncertain significance. Last evaluated: 2025-12-15. Review status: criteria provided, single submitter. Criteria: Invitae Variant Classification Sherloc (09022015). Collection method: clinical testing. Allele origin: germline.
Comment: This sequence change replaces serine, which is neutral and polar, with tyrosine, which is neutral and polar, at codon 287 of the C3 protein (p.Ser287Tyr). This variant is not present in population databases (gnomAD no frequency). This variant has not been reported in the literature in individuals affected with C3-related conditions. Invitae Evidence Modeling of protein sequence and biophysical properties (such as structural, functional, and spatial information, amino acid conservation, physicochemical variation, residue mobility, and thermodynamic stability) indicates that this missense variant is expected to disrupt C3 protein function with a positive predictive value of 80%. In summary, the available evidence is currently insufficient to determine the role of this variant in disease. Therefore, it has been classified as a Variant of Uncertain Significance.